The following is an entry in ClinVar:

NM_147127.5(EVC2):c.3507C>T (p.His1169=)

Gene: EVC2 (EvC ciliary complex subunit 2; minus strand). Cytogenetic location: 4p16.2.
Variant type: single nucleotide variant.
Coding change: c.3507C>T on transcript NM_147127.5 (MANE Select); coding-DNA position 3507, C replaced by T.
Protein change: p.His1169=; no amino-acid change (histidine 1169 retained).
Molecular consequence: synonymous variant.
Genome position (GRCh38, 1-based): chr4:5,568,494, G>A on the plus strand (C>T on the coding strand, the complement: EVC2 is on the minus strand). VCF-style: chr4-5568494-G-A. GRCh37 (hg19) VCF-style: chr4-5570221-G-A.
Other names: c.3267C>T, p.His1089= (NM_001166136.2).
Identifiers: ClinVar variation 195539 (VCV000195539.24), dbSNP rs12511039, ClinGen allele CA201816.
Genomic context (GRCh38, chr4:5,568,494, plus strand): 5'-CGGCACTCACCTCCGCCTGCCCACGTCGGCCTGCTCCGCTCCGCCATCGCTCTCAGCTGC[G>A]TGGTCCACATGTCTCTCGGTGGCCGAATCCAGCAGGGCCAGCAGCTGAGGCTGTGAGGCT-3'
Protein context (NP_667338.3, residues 1159-1179): LDSATERHVD[His1169=]AAESDGGAEQ

ClinVar aggregate classification (germline): Benign. Review status: criteria provided, multiple submitters, no conflicts (2 of 4 stars). 10 submissions from 9 submitters: Benign (10). Last evaluated 2026-05-08.

Conditions:
Ellis-van Creveld syndrome (EVC). Also called: Chondroectodermal dysplasia; MESOECTODERMAL DYSPLASIA. Identifiers: Orphanet 289, MedGen C0013903, MONDO:0009162, OMIM 225500.
Curry-Hall syndrome (WAD). Also called: WEYERS ACRODENTAL DYSOSTOSIS. Identifiers: Orphanet 952, MedGen C0457013, MONDO:0008673, OMIM 193530.

Allele frequency attached by ClinVar (database versions not stated): ESP Exome Variant Server 0.25638; gnomAD 0.28547 and 0.30245; TOPMed 0.30056; gnomAD exomes 0.33127 and 0.39096; 1000 Genomes Project 30x 0.42864; 1000 Genomes Project 0.44089; ExAC 0.48470.
gnomAD v4.1: 520,595 of 1,583,144 alleles (33%); highest among the groups gnomAD compares: East Asian, 87%; 96,128 homozygotes.

Submissions (10):

Women's Health and Genetics/Laboratory Corporation of America, LabCorp
Classification: Benign. Last evaluated: 2026-05-08. Review status: criteria provided, single submitter. Criteria: LabCorp Variant Classification Summary - May 2015. Collection method: clinical testing. Allele origin: germline.

Labcorp Genetics (formerly Invitae), Labcorp
Classification: Benign for Curry-Hall syndrome; Ellis-van Creveld syndrome. Last evaluated: 2026-02-04. Review status: criteria provided, single submitter. Criteria: Invitae Variant Classification Sherloc (09022015). Collection method: clinical testing. Allele origin: germline.

Blueprint Genetics
Classification: Benign. Last evaluated: 2024-11-26. Review status: criteria provided, single submitter. Criteria: ACMG Guidelines, 2015. Collection method: clinical testing. Allele origin: germline.

Genome-Nilou Lab
Classification: Benign for Curry-Hall syndrome. Last evaluated: 2021-07-30. Review status: criteria provided, single submitter. Criteria: ACMG Guidelines, 2015. Collection method: clinical testing. Allele origin: germline. Affected: no.

Genome-Nilou Lab
Classification: Benign for Ellis-van Creveld syndrome. Last evaluated: 2021-07-30. Review status: criteria provided, single submitter. Criteria: ACMG Guidelines, 2015. Collection method: clinical testing. Allele origin: germline. Affected: no.

Illumina Laboratory Services, Illumina
Classification: Benign for Ellis-van Creveld syndrome. Last evaluated: 2018-01-13. Review status: criteria provided, single submitter. Criteria: ICSL Variant Classification Criteria 13 December 2019. Collection method: clinical testing. Allele origin: germline.
Comment: This variant was observed in the ICSL laboratory as part of a predisposition screen in an ostensibly healthy population. It had not been previously curated by ICSL or reported in the Human Gene Mutation Database (HGMD: prior to June 1st, 2018), and was therefore a candidate for classification through an automated scoring system. Utilizing variant allele frequency, disease prevalence and penetrance estimates, and inheritance mode, an automated score was calculated to assess if this variant is too frequent to cause the disease. Based on the score and internal cut-off values, a variant classified as benign is not then subjected to further curation. The score for this variant resulted in a classification of benign for this disease.

GeneDx
Classification: Benign. Last evaluated: 2016-03-21. Review status: criteria provided, single submitter. Criteria: GeneDx Variant Classification (06012015). Collection method: clinical testing. Allele origin: germline. Affected: yes.
Comment: This variant is considered likely benign or benign based on one or more of the following criteria: it is a conservative change, it occurs at a poorly conserved position in the protein, it is predicted to be benign by multiple in silico algorithms, and/or has population frequency not consistent with disease.

Eurofins Ntd Llc (ga)
Classification: Benign. Last evaluated: 2014-06-23. Review status: criteria provided, single submitter. Criteria: EGL Classification Definitions 2015. Collection method: clinical testing. Allele origin: germline. Observed: 4 variant alleles, 4 heterozygotes.

Breakthrough Genomics
Classification: Benign. Review status: criteria provided, single submitter. Criteria: ACMG Guidelines, 2015. Collection method: not provided. Allele origin: germline. Inheritance: Autosomal recessive inheritance. Affected: yes.

PreventionGenetics, part of Exact Sciences
Classification: Benign. Review status: criteria provided, single submitter. Criteria: ACMG Guidelines, 2015. Collection method: clinical testing. Allele origin: germline.